The following is an entry in ClinVar:

ClinVar aggregate classification (germline): Conflicting classifications of pathogenicity. Review status: criteria provided, conflicting classifications (1 of 4 stars). 5 submissions from 5 submitters: Uncertain significance (4); Likely benign (1). Last evaluated 2025-11-28.

Conditions:
Inborn genetic diseases. Identifiers: MedGen C0950123, MeSH D030342.
Joubert syndrome 21 (JBTS21). Identifiers: MedGen C3810212, MONDO:0014288, OMIM 615636.

Allele frequency attached by ClinVar (database versions not stated): TOPMed 0.00002; gnomAD 0.00004; gnomAD exomes 0.00005 and 0.00003; ExAC 0.00007.
gnomAD v4.1: 57 of 1,614,026 alleles (0.0035%); highest among the groups gnomAD compares: Middle Eastern, 0.33%; 1 homozygote.

Submissions (5):

Labcorp Genetics (formerly Invitae), Labcorp
Classification: Uncertain significance for Joubert syndrome 21. Last evaluated: 2025-11-28. Review status: criteria provided, single submitter. Criteria: Invitae Variant Classification Sherloc (09022015). Collection method: clinical testing. Allele origin: germline.
Comment: This sequence change replaces serine, which is neutral and polar, with leucine, which is neutral and non-polar, at codon 1087 of the CSPP1 protein (p.Ser1087Leu). This variant is present in population databases (rs768603321, gnomAD 0.01%). This variant has not been reported in the literature in individuals affected with CSPP1-related conditions. ClinVar contains an entry for this variant (Variation ID: 840138). An algorithm developed to predict the effect of missense changes on protein structure and function (PolyPhen-2) suggests that this variant is likely to be tolerated. In summary, the available evidence is currently insufficient to determine the role of this variant in disease. Therefore, it has been classified as a Variant of Uncertain Significance.

Blueprint Genetics
Classification: Likely benign. Last evaluated: 2024-06-13. Review status: criteria provided, single submitter. Criteria: ACMG Guidelines, 2015. Collection method: clinical testing. Allele origin: germline.

Ambry Genetics
Classification: Uncertain significance for Inborn genetic diseases. Last evaluated: 2023-02-01. Review status: criteria provided, single submitter. Criteria: Ambry Variant Classification Scheme 2023. Collection method: clinical testing. Allele origin: germline.

Baylor Genetics
Classification: Uncertain significance for Joubert syndrome 21. Last evaluated: 2019-12-20. Review status: criteria provided, single submitter. Criteria: ACMG Guidelines, 2015. Collection method: clinical testing. Allele origin: unknown. Affected: yes.
Comment: This variant was determined to be of uncertain significance according to ACMG Guidelines, 2015 [PMID:25741868].

Breakthrough Genomics
Classification: Uncertain significance. Review status: criteria provided, single submitter. Criteria: ACMG Guidelines, 2015. Collection method: not provided. Allele origin: germline. Inheritance: Autosomal recessive inheritance. Affected: yes.

NM_001382391.1(CSPP1):c.3275C>T (p.Ser1092Leu)

Genes: ARFGEF1 (ARF guanine nucleotide exchange factor 1; minus strand), CSPP1 (centrosome and spindle pole associated protein 1; plus strand). Cytogenetic location: 8q13.2.
Variant type: single nucleotide variant.
Coding change: c.3275C>T on transcript NM_001382391.1 (MANE Select); coding-DNA position 3275, C replaced by T.
Protein change: p.Ser1092Leu; replaces serine 1092 with leucine.
Molecular consequence: missense variant. On other transcripts: intron variant (2).
Genome position (GRCh38, 1-based): chr8:67,190,704, C>T. VCF-style: chr8-67190704-C-T. GRCh37 (hg19) VCF-style: chr8-68102939-C-T.
Other names: c.2225C>T, p.Ser742Leu (NM_001291339.2); c.3194C>T, p.Ser1065Leu (NM_001363131.2); c.3080C>T, p.Ser1027Leu (NM_001363132.2); c.2999C>T, p.Ser1000Leu (NM_001363133.2); c.3341C>T, p.Ser1114Leu (NM_001364869.1); c.3161C>T, p.Ser1054Leu (NM_001364870.1); c.3107C>T, p.Ser1036Leu (NM_001438330.1); c.3260C>T, p.Ser1087Leu (NM_001438331.1, NM_024790.7); and 3 more; short protein forms S1114L, S1000L, S1027L, S1054L, S742L, S1065L, S1087L, S1092L.
Identifiers: ClinVar variation 840138 (VCV000840138.11), dbSNP rs768603321, ClinGen allele CA4771118.